The following is an entry in ClinVar:

ClinVar aggregate classification (germline): Uncertain significance. Review status: criteria provided, multiple submitters, no conflicts (2 of 4 stars). 2 submissions from 2 submitters: Uncertain significance (2). Last evaluated 2025-10-14.

Conditions:
Inborn genetic diseases. Identifiers: MedGen C0950123, MeSH D030342.

Allele frequency attached by ClinVar (database versions not stated): ExAC 0.00002; gnomAD 0.00001; gnomAD exomes 0.00002.
gnomAD v4.1: 24 of 1,545,204 alleles (0.0016%); highest among the groups gnomAD compares: South Asian, 0.009%; no homozygotes.

Submissions (2):

Labcorp Genetics (formerly Invitae), Labcorp
Classification: Uncertain significance. Last evaluated: 2025-10-14. Review status: criteria provided, single submitter. Criteria: Invitae Variant Classification Sherloc (09022015). Collection method: clinical testing. Allele origin: germline.
Comment: This sequence change replaces arginine, which is basic and polar, with tryptophan, which is neutral and slightly polar, at codon 401 of the ARHGEF18 protein (p.Arg401Trp). This variant is present in population databases (rs760843365, gnomAD 0.003%). This variant has not been reported in the literature in individuals affected with ARHGEF18-related conditions. ClinVar contains an entry for this variant (Variation ID: 1955220). An algorithm developed to predict the effect of missense changes on protein structure and function (PolyPhen-2) suggests that this variant is likely to be disruptive. In summary, the available evidence is currently insufficient to determine the role of this variant in disease. Therefore, it has been classified as a Variant of Uncertain Significance.

Ambry Genetics
Classification: Uncertain significance for Inborn genetic diseases. Last evaluated: 2022-05-11. Review status: criteria provided, single submitter. Criteria: Ambry Variant Classification Scheme 2023. Collection method: clinical testing. Allele origin: germline.

NM_001367823.1(ARHGEF18):c.1765C>T (p.Arg589Trp)

Gene: ARHGEF18 (Rho/Rac guanine nucleotide exchange factor 18; plus strand). Cytogenetic location: 19p13.2.
Variant type: single nucleotide variant.
Coding change: c.1765C>T on transcript NM_001367823.1 (MANE Select); coding-DNA position 1765, C replaced by T.
Protein change: p.Arg589Trp; replaces arginine 589 with tryptophan.
Molecular consequence: missense variant.
Genome position (GRCh38, 1-based): chr19:7,451,176, C>T. VCF-style: chr19-7451176-C-T. GRCh37 (hg19) VCF-style: chr19-7516062-C-T.
Other names: c.1039C>T, p.Arg347Trp (NM_001130955.2); c.727C>T, p.Arg243Trp (NM_001367824.1, NM_015318.4); short protein forms R243W, R347W, R589W.
Identifiers: ClinVar variation 1955220 (VCV001955220.6), dbSNP rs760843365, ClinGen allele CA9136605.